The following is an entry in ClinVar:

ClinVar aggregate classification (germline): Uncertain significance (1 of 4 stars; one submission).

Allele frequency attached by ClinVar (database versions not stated): gnomAD exomes below 0.00001; ExAC 0.00001.
gnomAD v4.1: 6 of 1,610,612 alleles (0.00037%); highest among the groups gnomAD compares: Admixed American, 0.0034%; no homozygotes.

Submission:

Labcorp Genetics (formerly Invitae), Labcorp
Classification: Uncertain significance. Last evaluated: 2025-08-21. Review status: criteria provided, single submitter. Criteria: Invitae Variant Classification Sherloc (09022015). Collection method: clinical testing. Allele origin: germline.
Comment: This sequence change replaces tyrosine, which is neutral and polar, with cysteine, which is neutral and slightly polar, at codon 1196 of the LAMA1 protein (p.Tyr1196Cys). The frequency data for this variant in the population databases is considered unreliable, as metrics indicate poor data quality at this position in the gnomAD database. This variant has not been reported in the literature in individuals affected with LAMA1-related conditions. ClinVar contains an entry for this variant (Variation ID: 1915515). Invitae Evidence Modeling of protein sequence and biophysical properties (such as structural, functional, and spatial information, amino acid conservation, physicochemical variation, residue mobility, and thermodynamic stability) indicates that this missense variant is not expected to disrupt LAMA1 protein function with a negative predictive value of 80%. In summary, the available evidence is currently insufficient to determine the role of this variant in disease. Therefore, it has been classified as a Variant of Uncertain Significance.

NM_005559.4(LAMA1):c.3587A>G (p.Tyr1196Cys)

Gene: LAMA1 (laminin subunit alpha 1; minus strand). Cytogenetic location: 18p11.31.
Variant type: single nucleotide variant.
Coding change: c.3587A>G on transcript NM_005559.4 (MANE Select); coding-DNA position 3587, A replaced by G.
Protein change: p.Tyr1196Cys; replaces tyrosine 1196 with cysteine.
Molecular consequence: missense variant.
Genome position (GRCh38, 1-based): chr18:7,011,400, T>C on the plus strand (A>G on the coding strand, the complement: LAMA1 is on the minus strand). VCF-style: chr18-7011400-T-C. GRCh37 (hg19) VCF-style: chr18-7011399-T-C.
Other names: short protein forms Y1196C.
Identifiers: ClinVar variation 1915515 (VCV001915515.4), dbSNP rs756195576, ClinGen allele CA8882226.
Genomic context (GRCh38, chr18:7,011,400, plus strand): 5'-GGCTCTGCACGGATGTGCTGCCGGACGGTGGCGGCATCCAGCAGGAAGTCGGGGGCCTGG[T>C]AGTAAACCCCCTCGGTCGTGCCCCTCAAGTTACTCTGAGAAACCACACGCAGAAGAGGCT-3'
Protein context (NP_005550.2, residues 1186-1206): NLRGTTEGVY[Tyr1196Cys]QAPDFLLDAA